The following is an entry in ClinVar:

NM_002474.3(MYH11):c.4421C>T (p.Ala1474Val)

Genes: MYH11 (myosin heavy chain 11; minus strand), NDE1 (nudE neurodevelopment protein 1; plus strand). Cytogenetic location: 16p13.11.
Variant type: single nucleotide variant.
Coding change: c.4421C>T on transcript NM_002474.3 (MANE Select); coding-DNA position 4421, C replaced by T.
Protein change: p.Ala1474Val; replaces alanine 1474 with valine.
Molecular consequence: missense variant. On other transcripts: intron variant (2).
Genome position (GRCh38, 1-based): chr16:15,721,579, G>A on the plus strand (C>T on the coding strand, the complement: MYH11 is on the minus strand). VCF-style: chr16-15721579-G-A. GRCh37 (hg19) VCF-style: chr16-15815436-G-A.
Other names: c.4442C>T, p.Ala1481Val (NM_001040113.2, NM_001040114.2); c.4421C>T, p.Ala1474Val (NM_022844.3); c.948-2612G>A (NM_001143979.2, NM_017668.3); short protein forms A1481V, A1474V.
Identifiers: ClinVar variation 2800246 (VCV002800246.3), dbSNP rs1232945828, ClinGen allele CA394855443.

ClinVar aggregate classification (germline): Uncertain significance (1 of 4 stars; one submission).

Conditions:
Aortic aneurysm, familial thoracic 4 (AAT4). Also called: AORTIC ANEURYSM/AORTIC DISSECTION AND PATENT DUCTUS ARTERIOSUS. Identifiers: MedGen C1851504, MONDO:0007568, OMIM 132900.

Allele frequency attached by ClinVar (database versions not stated): gnomAD exomes below 0.00001.
gnomAD v4.1: 2 of 1,614,176 alleles (0.00012%); highest among the groups gnomAD compares: East Asian, 0.0022%; no homozygotes.

Submission:

Labcorp Genetics (formerly Invitae), Labcorp
Classification: Uncertain significance for Aortic aneurysm, familial thoracic 4. Last evaluated: 2023-02-11. Review status: criteria provided, single submitter. Criteria: Invitae Variant Classification Sherloc (09022015). Collection method: clinical testing. Allele origin: germline.
Comment: This sequence change replaces alanine, which is neutral and non-polar, with valine, which is neutral and non-polar, at codon 1481 of the MYH11 protein (p.Ala1481Val). This variant is present in population databases (no rsID available, gnomAD 0.006%). This variant has not been reported in the literature in individuals affected with MYH11-related conditions. Advanced modeling of protein sequence and biophysical properties (such as structural, functional, and spatial information, amino acid conservation, physicochemical variation, residue mobility, and thermodynamic stability) performed at Invitae indicates that this missense variant is not expected to disrupt MYH11 protein function. In summary, the available evidence is currently insufficient to determine the role of this variant in disease. Therefore, it has been classified as a Variant of Uncertain Significance.